The following is an entry in ClinVar:

ClinVar aggregate classification (germline): Uncertain significance (1 of 4 stars; one submission).

Conditions:
Charcot-Marie-Tooth disease axonal type 2O. Also called: CHARCOT-MARIE-TOOTH NEUROPATHY, AXONAL, TYPE 2O; CHARCOT-MARIE-TOOTH DISEASE, AXONAL, AUTOSOMAL DOMINANT, TYPE 2O; Charcot-Marie-Tooth disease, axonal, type 20; Charcot-Marie-Tooth Neuropathy Type 2O. Identifiers: Orphanet 284232, MedGen C3280220, MONDO:0013644, OMIM 614228.

Allele frequency attached by ClinVar (database versions not stated): gnomAD exomes below 0.00001.
gnomAD v4.1: 1 of 1,613,704 alleles (0.000062%); highest among the groups gnomAD compares: Non-Finnish European, 0.000085%; no homozygotes.

Submission:

Labcorp Genetics (formerly Invitae), Labcorp
Classification: Uncertain significance for Charcot-Marie-Tooth disease axonal type 2O. Last evaluated: 2022-06-07. Review status: criteria provided, single submitter. Criteria: Invitae Variant Classification Sherloc (09022015). Collection method: clinical testing. Allele origin: germline.
Comment: This variant has not been reported in the literature in individuals affected with DYNC1H1-related conditions. In summary, the available evidence is currently insufficient to determine the role of this variant in disease. Therefore, it has been classified as a Variant of Uncertain Significance. Advanced modeling of protein sequence and biophysical properties (such as structural, functional, and spatial information, amino acid conservation, physicochemical variation, residue mobility, and thermodynamic stability) performed at Invitae indicates that this missense variant is not expected to disrupt DYNC1H1 protein function. This variant is not present in population databases (gnomAD no frequency). This sequence change replaces isoleucine, which is neutral and non-polar, with valine, which is neutral and non-polar, at codon 103 of the DYNC1H1 protein (p.Ile103Val).

NM_001376.5(DYNC1H1):c.307A>G (p.Ile103Val)

Gene: DYNC1H1 (dynein cytoplasmic 1 heavy chain 1; plus strand). Cytogenetic location: 14q32.31.
Variant type: single nucleotide variant.
Coding change: c.307A>G on transcript NM_001376.5 (MANE Select); coding-DNA position 307, A replaced by G.
Protein change: p.Ile103Val; replaces isoleucine 103 with valine.
Molecular consequence: missense variant.
Genome position (GRCh38, 1-based): chr14:101,975,762, A>G. VCF-style: chr14-101975762-A-G. GRCh37 (hg19) VCF-style: chr14-102442099-A-G.
Other names: short protein forms I103V.
Identifiers: ClinVar variation 2128983 (VCV002128983.4), dbSNP rs2503672240, ClinGen allele CA391006291.
Genomic context (GRCh38, chr14:101,975,762, plus strand): 5'-TGATTTGTAGAGGACGTCGGTGATGAAGGAGAAGAAGAAAAAGAATTCATTTCCTATAAC[A>G]TCAACATAGACATTCATTATGGGGTTAAATCCAATAGGTGAGTAGTACAAATATTACCAT-3'
Protein context (NP_001367.2, residues 93-113): EEEKEFISYN[Ile103Val]NIDIHYGVKS